The following is an entry in ClinVar:

ClinVar aggregate classification (germline): Benign. Review status: criteria provided, multiple submitters, no conflicts (2 of 4 stars). 2 submissions from 2 submitters: Benign (2). Last evaluated 2018-01-13.

Conditions:
Seizures, benign familial neonatal, 2. Also called: CONVULSIONS, BENIGN FAMILIAL NEONATAL, 2; KCNQ3-Related Self-Limited Familial Neonatal Epilepsy (SLFNE); Benign Neonatal Epilepsy 2; KCNQ3-Related Benign Familial Neonatal Epilepsy; Seizures, benign neonatal, 2. Identifiers: Orphanet 1949, MedGen C1852581, MONDO:0007366, OMIM 121201.

Allele frequency attached by ClinVar (database versions not stated): 1000 Genomes Project 0.01458; TOPMed 0.01948; gnomAD 0.01668 and 0.01665; 1000 Genomes Project 30x 0.01765.

Submissions (2):

Illumina Laboratory Services, Illumina
Classification: Benign for Seizures, benign familial neonatal, 2. Last evaluated: 2018-01-13. Review status: criteria provided, single submitter. Criteria: ICSL Variant Classification Criteria 13 December 2019. Collection method: clinical testing. Allele origin: germline.
Comment: This variant was observed in the ICSL laboratory as part of a predisposition screen in an ostensibly healthy population. It had not been previously curated by ICSL or reported in the Human Gene Mutation Database (HGMD: prior to June 1st, 2018), and was therefore a candidate for classification through an automated scoring system. Utilizing variant allele frequency, disease prevalence and penetrance estimates, and inheritance mode, an automated score was calculated to assess if this variant is too frequent to cause the disease. Based on the score and internal cut-off values, a variant classified as benign is not then subjected to further curation. The score for this variant resulted in a classification of benign for this disease.

Breakthrough Genomics
Classification: Benign. Review status: criteria provided, single submitter. Criteria: ACMG Guidelines, 2015. Collection method: not provided. Allele origin: germline. Inheritance: Autosomal dominant inheritance. Affected: yes.

NM_004519.4(KCNQ3):c.*2475C>T

Gene: KCNQ3 (potassium voltage-gated channel subfamily Q member 3; minus strand). Cytogenetic location: 8q24.22.
Variant type: single nucleotide variant.
Coding change: c.*2475C>T on transcript NM_004519.4 (MANE Select); 2475 bases downstream of the stop codon, C replaced by T.
Molecular consequence: 3 prime UTR variant.
Genome position (GRCh38, 1-based): chr8:132,126,787, G>A on the plus strand (C>T on the coding strand, the complement: KCNQ3 is on the minus strand). VCF-style: chr8-132126787-G-A. GRCh37 (hg19) VCF-style: chr8-133139034-G-A.
Other names: c.*2475C>T (NM_001204824.2).
Identifiers: ClinVar variation 361838 (VCV000361838.7), dbSNP rs141143602, ClinGen allele CA10624771.